The following is an entry in ClinVar:

ClinVar aggregate classification (germline): Uncertain significance. Review status: criteria provided, multiple submitters, no conflicts (2 of 4 stars). 3 submissions from 3 submitters: Uncertain significance (2). 1 of the submissions does not count toward it. Last evaluated 2024-11-25.

Conditions:
Inborn genetic diseases. Identifiers: MedGen C0950123, MeSH D030342.
ALG6-congenital disorder of glycosylation 1C (CDG1C). Also called: CARBOHYDRATE-DEFICIENT GLYCOPROTEIN SYNDROME, TYPE I, WITH DEFICIENT GLYCOSYLATION OF DOLICHOL-LINKED OLIGOSACCHARIDE; CARBOHYDRATE-DEFICIENT GLYCOPROTEIN SYNDROME, TYPE V; Congenital disorder of glycosylation type 1C; CDG Ic; Congenital disorder of glycosylation, type Ic. Identifiers: Orphanet 79320, MedGen C2930997, MONDO:0011291, OMIM 603147.

Allele frequency attached by ClinVar (database versions not stated): gnomAD exomes below 0.00001.
gnomAD v4.1: 14 of 1,613,808 alleles (0.00087%); highest among the groups gnomAD compares: Admixed American, 0.012%; no homozygotes.

Submissions (3):

Ambry Genetics
Classification: Uncertain significance for Inborn genetic diseases. Last evaluated: 2024-11-25. Review status: criteria provided, single submitter. Criteria: Ambry Variant Classification Scheme 2023. Collection method: clinical testing. Allele origin: germline.

Labcorp Genetics (formerly Invitae), Labcorp
Classification: Uncertain significance for ALG6-congenital disorder of glycosylation 1C. Last evaluated: 2022-10-13. Review status: criteria provided, single submitter. Criteria: Invitae Variant Classification Sherloc (09022015). Collection method: clinical testing. Allele origin: germline.
Comment: This sequence change replaces cysteine, which is neutral and slightly polar, with glycine, which is neutral and non-polar, at codon 212 of the ALG6 protein (p.Cys212Gly). This variant is not present in population databases (gnomAD no frequency). This variant has not been reported in the literature in individuals affected with ALG6-related conditions. ClinVar contains an entry for this variant (Variation ID: 1045780). Advanced modeling of protein sequence and biophysical properties (such as structural, functional, and spatial information, amino acid conservation, physicochemical variation, residue mobility, and thermodynamic stability) performed at Invitae indicates that this missense variant is not expected to disrupt ALG6 protein function. In summary, the available evidence is currently insufficient to determine the role of this variant in disease. Therefore, it has been classified as a Variant of Uncertain Significance.

Natera, Inc.
Classification: Uncertain significance for Congenital disorder of glycosylation type 1c. Last evaluated: 2020-12-22. Review status: no assertion criteria provided. Collection method: clinical testing. Allele origin: germline. Not counted in ClinVar's aggregate classification.

NM_013339.4(ALG6):c.634T>G (p.Cys212Gly)

Gene: ALG6 (ALG6 alpha-1,3-glucosyltransferase; plus strand). Cytogenetic location: 1p31.3.
Variant type: single nucleotide variant.
Coding change: c.634T>G on transcript NM_013339.4 (MANE Select); coding-DNA position 634, T replaced by G.
Protein change: p.Cys212Gly; replaces cysteine 212 with glycine.
Molecular consequence: missense variant.
Genome position (GRCh38, 1-based): chr1:63,411,285, T>G. VCF-style: chr1-63411285-T-G. GRCh37 (hg19) VCF-style: chr1-63876956-T-G.
Other names: c.634T>G (NM_013339.3); short protein forms C212G.
Identifiers: ClinVar variation 1045780 (VCV001045780.10), dbSNP rs1644514646, ClinGen allele CA340635142.